The following is an entry in ClinVar:

ClinVar aggregate classification (germline): Uncertain significance (1 of 4 stars; one submission).

Conditions:
Gorlin syndrome. Also called: Basal cell nevus syndrome; Nevoid Basal Cell Carcinoma Syndrome. Identifiers: Orphanet 377, MedGen C0004779, MONDO:0007187.

Submission:

Labcorp Genetics (formerly Invitae), Labcorp
Classification: Uncertain significance for Gorlin syndrome. Last evaluated: 2023-10-20. Review status: criteria provided, single submitter. Criteria: Invitae Variant Classification Sherloc (09022015). Collection method: clinical testing. Allele origin: germline.
Comment: This sequence change replaces threonine, which is neutral and polar, with alanine, which is neutral and non-polar, at codon 1096 of the PTCH2 protein (p.Thr1096Ala). This variant is not present in population databases (gnomAD no frequency). This variant has not been reported in the literature in individuals affected with PTCH2-related conditions. Advanced modeling of protein sequence and biophysical properties (such as structural, functional, and spatial information, amino acid conservation, physicochemical variation, residue mobility, and thermodynamic stability) performed at Invitae indicates that this missense variant is not expected to disrupt PTCH2 protein function. In summary, the available evidence is currently insufficient to determine the role of this variant in disease. Therefore, it has been classified as a Variant of Uncertain Significance.

NM_003738.5(PTCH2):c.3286A>G (p.Thr1096Ala)

Gene: PTCH2 (patched 2; minus strand). Cytogenetic location: 1p34.1.
Variant type: single nucleotide variant.
Coding change: c.3286A>G on transcript NM_003738.5 (MANE Select); coding-DNA position 3286, A replaced by G.
Protein change: p.Thr1096Ala; replaces threonine 1096 with alanine.
Molecular consequence: missense variant.
Genome position (GRCh38, 1-based): chr1:44,823,140, T>C on the plus strand (A>G on the coding strand, the complement: PTCH2 is on the minus strand). VCF-style: chr1-44823140-T-C. GRCh37 (hg19) VCF-style: chr1-45288812-T-C.
Other names: c.3286A>G, p.Thr1096Ala (NM_001166292.2); short protein forms T1096A.
Identifiers: ClinVar variation 2793632 (VCV002793632.3), dbSNP rs2521923795, ClinGen allele CA340106085.